The following is an entry in ClinVar:

NM_004397.6(DDX6):c.1334A>C (p.Asn445Thr)

Gene: DDX6 (DEAD-box helicase 6; minus strand). Cytogenetic location: 11q23.3.
Variant type: single nucleotide variant.
Coding change: c.1334A>C on transcript NM_004397.6 (MANE Select); coding-DNA position 1334, A replaced by C.
Protein change: p.Asn445Thr; replaces asparagine 445 with threonine.
Molecular consequence: missense variant.
Genome position (GRCh38, 1-based): chr11:118,754,830, T>G on the plus strand (A>C on the coding strand, the complement: DDX6 is on the minus strand). VCF-style: chr11-118754830-T-G. GRCh37 (hg19) VCF-style: chr11-118625539-T-G.
Other names: c.1334A>C, p.Asn445Thr (NM_001257191.3, NM_001425145.1, NM_001425146.1); c.1331A>C, p.Asn444Thr (NM_001425147.1, NM_001425148.1); c.1205A>C, p.Asn402Thr (NM_001425149.1, NM_001425150.1); c.1187A>C, p.Asn396Thr (NM_001425151.1, NM_001425152.1); c.1058A>C, p.Asn353Thr (NM_001425153.1); c.1010A>C, p.Asn337Thr (NM_001425154.1); short protein forms N337T, N353T, N396T, N402T, N444T, N445T.
Identifiers: ClinVar variation 4882610 (VCV004882610.2).

ClinVar aggregate classification (germline): Uncertain significance (1 of 4 stars; one submission).

Conditions:
Intellectual developmental disorder with impaired language and dysmorphic facies. Identifiers: MedGen C5231444, MONDO:0032851, OMIM 618653.

Submission:

Dasa
Classification: Uncertain significance for Intellectual developmental disorder with impaired language and dysmorphic facies. Last evaluated: 2026-01-13. Review status: criteria provided, single submitter. Criteria: DASA Assertion Criteria. Collection method: clinical testing. Allele origin: germline.
Comment: NM_004397.6(DDX6):c.1334A>C (p.Asn445Thr) is a missense variant that results in the substitution of asparagine with threonine. This variant is rare in population databases. The currently available literature and clinical evidence are not sufficient to establish a definitive association between this variant and the reported condition. Therefore, this variant is classified as a variant of uncertain significance.